The following is an entry in ClinVar:

ClinVar aggregate classification (germline): Uncertain significance (1 of 4 stars; one submission).

Conditions:
Fetal akinesia deformation sequence 1 (FADS1). Also called: Fetal akinesia sequence; Pena-Shokeir syndrome type I. Identifiers: Orphanet 994, MedGen C1276035, MONDO:0100101, OMIM 208150, HP:0001989.
Congenital myasthenic syndrome 11. Also called: Myasthenic syndrome, congenital, 11, associated with acetylcholine receptor deficiency; MYASTHENIC SYNDROME, CONGENITAL, Ie. Identifiers: Orphanet 590, MedGen C4225367, MONDO:0014588, OMIM 616326.

Submission:

Labcorp Genetics (formerly Invitae), Labcorp
Classification: Uncertain significance for Congenital myasthenic syndrome 11; Fetal akinesia deformation sequence 1. Last evaluated: 2022-06-13. Review status: criteria provided, single submitter. Criteria: Invitae Variant Classification Sherloc (09022015). Collection method: clinical testing. Allele origin: germline.
Comment: This sequence change replaces methionine, which is neutral and non-polar, with isoleucine, which is neutral and non-polar, at codon 207 of the RAPSN protein (p.Met207Ile). This variant is not present in population databases (gnomAD no frequency). This variant has not been reported in the literature in individuals affected with RAPSN-related conditions. Algorithms developed to predict the effect of missense changes on protein structure and function are either unavailable or do not agree on the potential impact of this missense change (SIFT: "Deleterious"; PolyPhen-2: "Possibly Damaging"; Align-GVGD: "Class C0"). In summary, the available evidence is currently insufficient to determine the role of this variant in disease. Therefore, it has been classified as a Variant of Uncertain Significance.

NM_005055.5(RAPSN):c.621G>C (p.Met207Ile)

Gene: RAPSN (receptor associated protein of the synapse; minus strand). Cytogenetic location: 11p11.2.
Variant type: single nucleotide variant.
Coding change: c.621G>C on transcript NM_005055.5 (MANE Select); coding-DNA position 621, G replaced by C.
Protein change: p.Met207Ile; replaces methionine 207 with isoleucine.
Molecular consequence: missense variant.
Genome position (GRCh38, 1-based): chr11:47,442,725, C>G on the plus strand (G>C on the coding strand, the complement: RAPSN is on the minus strand). VCF-style: chr11-47442725-C-G. GRCh37 (hg19) VCF-style: chr11-47464277-C-G.
Other names: c.621G>C, p.Met207Ile (NM_032645.5); short protein forms M207I.
Identifiers: ClinVar variation 1491725 (VCV001491725.8), dbSNP rs752415268, ClinGen allele CA380332140.